The following is an entry in ClinVar:

NM_001372.4(DNAH9):c.11341C>T (p.Pro3781Ser)

Gene: DNAH9 (dynein axonemal heavy chain 9; plus strand). Cytogenetic location: 17p12.
Variant type: single nucleotide variant.
Coding change: c.11341C>T on transcript NM_001372.4 (MANE Select); coding-DNA position 11341, C replaced by T.
Protein change: p.Pro3781Ser; replaces proline 3781 with serine.
Molecular consequence: missense variant.
Genome position (GRCh38, 1-based): chr17:11,894,431, C>T. VCF-style: chr17-11894431-C-T. GRCh37 (hg19) VCF-style: chr17-11797748-C-T.
Other names: c.11341C>T (NM_001372.3); c.277C>T, p.Pro93Ser (NM_004662.2); short protein forms P3781S, P93S.
Identifiers: ClinVar variation 1580526 (VCV001580526.12), dbSNP rs78870819, ClinGen allele CA8397806.

ClinVar aggregate classification (germline): Benign/Likely benign. Review status: criteria provided, multiple submitters, no conflicts (2 of 4 stars). 4 submissions from 4 submitters: Benign (2); Likely benign (1). 1 of the submissions does not count toward it. Last evaluated 2026-01-16.

Conditions:
DNAH9-related disorder. Also called: DNAH9-related condition.

Allele frequency attached by ClinVar (database versions not stated): 1000 Genomes Project 30x 0.00250; 1000 Genomes Project 0.00260; gnomAD 0.00263 and 0.00284; TOPMed 0.00331; ESP Exome Variant Server 0.00477.
gnomAD v4.1: 768 of 1,614,188 alleles (0.048%); highest among the groups gnomAD compares: African/African-American, 0.93%; 1 homozygote.

Submissions (4):

Labcorp Genetics (formerly Invitae), Labcorp
Classification: Benign. Last evaluated: 2026-01-16. Review status: criteria provided, single submitter. Criteria: Invitae Variant Classification Sherloc (09022015). Collection method: clinical testing. Allele origin: germline.

Blueprint Genetics
Classification: Likely benign. Last evaluated: 2024-10-24. Review status: criteria provided, single submitter. Criteria: ACMG Guidelines, 2015. Collection method: clinical testing. Allele origin: germline.

Breakthrough Genomics
Classification: Benign. Review status: criteria provided, single submitter. Criteria: ACMG Guidelines, 2015. Collection method: not provided. Allele origin: germline. Inheritance: Autosomal recessive inheritance. Affected: yes.

PreventionGenetics, part of Exact Sciences
Classification: Benign for DNAH9-related condition. Last evaluated: 2019-11-25. Review status: no assertion criteria provided. Collection method: clinical testing. Allele origin: germline. Not counted in ClinVar's aggregate classification.
Comment: This variant is classified as benign based on ACMG/AMP sequence variant interpretation guidelines (Richards et al. 2015 PMID: 25741868, with internal and published modifications).